The following is an entry in ClinVar:

ClinVar aggregate classification (germline): Benign/Likely benign. Review status: criteria provided, multiple submitters, no conflicts (2 of 4 stars). 5 submissions from 5 submitters: Benign (2); Likely benign (2). 1 of the submissions does not count toward it. Last evaluated 2026-01-05.

Conditions:
Autoinflammation-PLCG2-associated antibody deficiency-immune dysregulation. Also called: Autoinflammation, antibody deficiency, and immune dysregulation, plcg2-associated; Autoinflammation, antibody deficiency, and immune dysregulation syndrome; AUTOINFLAMMATION, ANTIBODY DEFICIENCY, AND IMMUNE DYSREGULATION. Identifiers: Orphanet 324530, MedGen C3553961, MONDO:0013944, OMIM 614878.
Familial cold autoinflammatory syndrome 3 (FCAS3). Also called: FAMILIAL ATYPICAL COLD URTICARIA; ANTIBODY DEFICIENCY AND IMMUNE DYSREGULATION, PLCG2-ASSOCIATED. Identifiers: Orphanet 300359, MedGen C3280914, MONDO:0013766, OMIM 614468.
PLCG2-related disorder. Also called: PLCG2-related condition.

Allele frequency attached by ClinVar (database versions not stated): TOPMed 0.00102; gnomAD 0.00125 and 0.00128; ESP Exome Variant Server 0.00163; 1000 Genomes Project 30x 0.00172; 1000 Genomes Project 0.00180.
gnomAD v4.1: 332 of 1,613,626 alleles (0.021%); highest among the groups gnomAD compares: African/African-American, 0.4%; no homozygotes.

Submissions (5):

Labcorp Genetics (formerly Invitae), Labcorp
Classification: Benign for Familial cold autoinflammatory syndrome 3. Last evaluated: 2026-01-05. Review status: criteria provided, single submitter. Criteria: Invitae Variant Classification Sherloc (09022015). Collection method: clinical testing. Allele origin: germline.

ARUP Laboratories, Molecular Genetics and Genomics, ARUP Laboratories
Classification: Benign. Last evaluated: 2025-03-13. Review status: criteria provided, single submitter. Criteria: ARUP Molecular Germline Variant Investigation Process 2024. Collection method: clinical testing. Allele origin: germline.

Blueprint Genetics
Classification: Likely benign. Last evaluated: 2024-11-13. Review status: criteria provided, single submitter. Criteria: ACMG Guidelines, 2015. Collection method: clinical testing. Allele origin: germline.

Fulgent Genetics
Classification: Likely benign for Familial cold autoinflammatory syndrome 3; Autoinflammation-PLCG2-associated antibody deficiency-immune dysregulation. Last evaluated: 2021-07-27. Review status: criteria provided, single submitter. Criteria: ACMG Guidelines, 2015. Collection method: clinical testing. Allele origin: unknown.

PreventionGenetics, part of Exact Sciences
Classification: Benign for PLCG2-related condition. Last evaluated: 2020-01-06. Review status: no assertion criteria provided. Collection method: clinical testing. Allele origin: germline. Not counted in ClinVar's aggregate classification.
Comment: This variant is classified as benign based on ACMG/AMP sequence variant interpretation guidelines (Richards et al. 2015 PMID: 25741868, with internal and published modifications).

NM_002661.5(PLCG2):c.3573G>A (p.Glu1191=)

Gene: PLCG2 (phospholipase C gamma 2; plus strand). Cytogenetic location: 16q23.3.
Variant type: single nucleotide variant.
Coding change: c.3573G>A on transcript NM_002661.5 (MANE Select); coding-DNA position 3573, G replaced by A.
Protein change: p.Glu1191=; no amino-acid change (glutamic acid 1191 retained).
Molecular consequence: synonymous variant.
Genome position (GRCh38, 1-based): chr16:81,956,697, G>A. VCF-style: chr16-81956697-G-A. GRCh37 (hg19) VCF-style: chr16-81990302-G-A.
Identifiers: ClinVar variation 791740 (VCV000791740.16), dbSNP rs201682723, ClinGen allele CA8194780.